The following is an entry in ClinVar:

NM_007078.3(LDB3):c.1702C>A (p.Arg568Ser)

Gene: LDB3 (LIM domain binding 3; plus strand). Cytogenetic location: 10q23.2.
Variant type: single nucleotide variant.
Coding change: c.1702C>A on transcript NM_007078.3 (MANE Select); coding-DNA position 1702, C replaced by A.
Protein change: p.Arg568Ser; replaces arginine 568 with serine.
Molecular consequence: missense variant.
Genome position (GRCh38, 1-based): chr10:86,717,989, C>A. VCF-style: chr10-86717989-C-A. GRCh37 (hg19) VCF-style: chr10-88477746-C-A.
Other names: c.1372C>A, p.Arg458Ser (NM_001080114.2); c.1717C>A, p.Arg573Ser (NM_001171610.2); c.1513C>A, p.Arg505Ser (NM_001368064.1, NM_001368065.1); c.1561C>A, p.Arg521Ser (NM_001368066.1); short protein forms R458S, R505S, R521S, R568S, R573S.
Identifiers: ClinVar variation 1913002 (VCV001913002.5), dbSNP rs920461832, ClinGen allele CA377451876.

ClinVar aggregate classification (germline): Uncertain significance (1 of 4 stars; one submission).

Conditions:
Myofibrillar myopathy 4. Also called: Zaspopathy (type). Identifiers: Orphanet 98912, MedGen C4721886, MONDO:0012277, OMIM 609452.

gnomAD v4.1: 5 of 1,614,120 alleles (0.00031%); highest among the groups gnomAD compares: Admixed American, 0.0067%; no homozygotes.

Submission:

Labcorp Genetics (formerly Invitae), Labcorp
Classification: Uncertain significance for Myofibrillar myopathy 4. Last evaluated: 2025-04-08. Review status: criteria provided, single submitter. Criteria: Invitae Variant Classification Sherloc (09022015). Collection method: clinical testing. Allele origin: germline.
Comment: The LDB3 gene has multiple clinically relevant transcripts. This variant occurs in alternate transcript NM_007078.3, and corresponds to NM_001080116.1:c.*18615C>A in the primary transcript. This sequence change replaces arginine, which is basic and polar, with serine, which is neutral and polar, at codon 568 of the LDB3 protein (p.Arg568Ser). This variant is present in population databases (no rsID available, gnomAD 0.009%). This variant has not been reported in the literature in individuals affected with LDB3-related conditions. Experimental studies and prediction algorithms are not available or were not evaluated, and the functional significance of this variant is currently unknown. In summary, the available evidence is currently insufficient to determine the role of this variant in disease. Therefore, it has been classified as a Variant of Uncertain Significance.